The following is an entry in ClinVar:

NM_001040616.3(LINS1):c.1318del (p.Arg440fs)

Gene: LINS1 (lines homolog 1; minus strand). Cytogenetic location: 15q26.3.
Variant type: Deletion.
Coding change: c.1318del on transcript NM_001040616.3 (MANE Select); coding-DNA position 1318, one base deleted (C; older notation c.1318delC).
Protein change: p.Arg440fs; shifts the reading frame from arginine 440.
Molecular consequence: frameshift variant. On other transcripts: non-coding transcript variant (3), intron variant (1).
Genome position (GRCh38, 1-based): chr15:100,571,970, G deleted on the plus strand (C on the coding strand, the reverse complement: LINS1 is on the minus strand). VCF-style (leftmost placement, unchanged base first): chr15-100571969-CG-C. GRCh37 (hg19) VCF-style: chr15-101112174-CG-C.
Other names: c.571del, p.Arg191fs (NM_001352507.2); c.1178-13del (NM_001352508.2); short protein forms R191fs, R440fs.
Identifiers: ClinVar variation 4850532 (VCV004850532.1).

ClinVar aggregate classification (germline): Likely pathogenic (1 of 4 stars; one submission).

Conditions:
Intellectual developmental disorder, autosomal recessive 27. Also called: Mental retardation, autosomal recessive 27; Intellectual disability, autosomal recessive 27. Identifiers: Orphanet 88616, MedGen C3280538, MONDO:0013702, OMIM 614340.

Submission:

Kasturba Medical College, Manipal, Kasturba Medical College, Manipal, Manipal Academy of Higher Education, Manipal, India
Classification: Likely pathogenic for Intellectual developmental disorder, autosomal recessive 27. Last evaluated: 2026-05-11. Review status: criteria provided, single submitter. Criteria: ACMG Guidelines, 2015. Collection method: research. Allele origin: unknown. Inheritance: Autosomal recessive inheritance. Affected: yes. Observed: 1 variant allele, 1 homozygote.
Comment: The variant is absent in heterozygous and/or homozygous state in the population database, gnomAD (v4.1.0) and is observed in heterozygous state in a single individual and absent in homozygous state in our in-house database of 4047 exomes.